The following is an entry in ClinVar:

NM_000191.3(HMGCL):c.347C>T (p.Ala116Val)

Gene: HMGCL (3-hydroxy-3-methylglutaryl-CoA lyase; minus strand). Cytogenetic location: 1p36.11.
Variant type: single nucleotide variant.
Coding change: c.347C>T on transcript NM_000191.3 (MANE Select); coding-DNA position 347, C replaced by T.
Protein change: p.Ala116Val; replaces alanine 116 with valine.
Molecular consequence: missense variant.
Genome position (GRCh38, 1-based): chr1:23,816,676, G>A on the plus strand (C>T on the coding strand, the complement: HMGCL is on the minus strand). VCF-style: chr1-23816676-G-A. GRCh37 (hg19) VCF-style: chr1-24143166-G-A.
Other names: c.347C>T, p.Ala116Val (NM_001166059.2); short protein forms A116V.
Identifiers: ClinVar variation 1382281 (VCV001382281.6), dbSNP rs368145582, ClinGen allele CA686129.
Genomic context (GRCh38, chr1:23,816,676, plus strand): 5'-CAGGGACCAATGCCATCAATCTCATTTCAGGAGCCCCCACCAACAAGCTATCCTCTTACC[G>A]CTGCCTCGAAGCCTTTCAAATTTGGGGTCAGGACTGGGTAGTTGATGCCAGGAAACTTCT-3'
Protein context (NP_000182.2, residues 106-126): LTPNLKGFEA[Ala116Val]VAAGAKEVVI

ClinVar aggregate classification (germline): Uncertain significance (1 of 4 stars; one submission).

Conditions:
Deficiency of hydroxymethylglutaryl-CoA lyase (HMGCLD). Also called: HMGCL DEFICIENCY; HYDROXYMETHYLGLUTARIC ACIDURIA; HMG-CoA LYASE DEFICIENCY; Defect in leucine metabolism; 3-hydroxy-3-methylglutaric aciduria. Identifiers: Orphanet 20, MedGen C1533587, MONDO:0009520, OMIM 246450.

Allele frequency attached by ClinVar (database versions not stated): gnomAD exomes below 0.00001; TOPMed below 0.00001; ExAC 0.00001; gnomAD 0.00001; ESP Exome Variant Server 0.00008.
gnomAD v4.1: 8 of 1,589,668 alleles (0.0005%); highest among the groups gnomAD compares: Non-Finnish European, 0.00069%; no homozygotes.

Submission:

Labcorp Genetics (formerly Invitae), Labcorp
Classification: Uncertain significance for Deficiency of hydroxymethylglutaryl-CoA lyase. Last evaluated: 2022-08-16. Review status: criteria provided, single submitter. Criteria: Invitae Variant Classification Sherloc (09022015). Collection method: clinical testing. Allele origin: germline.
Comment: In summary, the available evidence is currently insufficient to determine the role of this variant in disease. Therefore, it has been classified as a Variant of Uncertain Significance. Algorithms developed to predict the effect of missense changes on protein structure and function (SIFT, PolyPhen-2, Align-GVGD) all suggest that this variant is likely to be disruptive. ClinVar contains an entry for this variant (Variation ID: 1382281). This variant has not been reported in the literature in individuals affected with HMGCL-related conditions. This variant is present in population databases (rs368145582, gnomAD 0.0009%). This sequence change replaces alanine, which is neutral and non-polar, with valine, which is neutral and non-polar, at codon 116 of the HMGCL protein (p.Ala116Val).